The following is an entry in ClinVar:

ClinVar aggregate classification (germline): Likely benign (1 of 4 stars; one submission).

Conditions:
Alport syndrome. Also called: Hemorrhagic familial nephritis; Hemorrhagic hereditary nephritis; Congenital hereditary hematuria. Identifiers: Orphanet 63, MedGen C1567741, MONDO:0018965.

Allele frequency attached by ClinVar (database versions not stated): gnomAD 0.00576 and 0.00614; 1000 Genomes Project 0.00579; TOPMed 0.00599; 1000 Genomes Project 30x 0.00656.

Submission:

Illumina Laboratory Services, Illumina
Classification: Likely benign for Alport syndrome. Last evaluated: 2018-01-12. Review status: criteria provided, single submitter. Criteria: ICSL Variant Classification Criteria 13 December 2019. Collection method: clinical testing. Allele origin: germline.
Comment: This variant was observed in the ICSL laboratory as part of a predisposition screen in an ostensibly healthy population. It had not been previously curated by ICSL or reported in the Human Gene Mutation Database (HGMD: prior to June 1st, 2018), and was therefore a candidate for classification through an automated scoring system. Utilizing variant allele frequency, disease prevalence and penetrance estimates, and inheritance mode, an automated score was calculated to assess if this variant is too frequent to cause the disease. Based on the score and internal cut-off values, a variant classified as likely benign is not then subjected to further curation. The score for this variant resulted in a classification of likely benign for this disease.

NM_000091.5(COL4A3):c.*2145A>C

Genes: COL4A3 (collagen type IV alpha 3 chain; plus strand), MFF-DT (MFF divergent transcript; minus strand). Cytogenetic location: 2q36.3.
Variant type: single nucleotide variant.
Coding change: c.*2145A>C on transcript NM_000091.5 (MANE Select); 2145 bases downstream of the stop codon, A replaced by C.
Molecular consequence: 3 prime UTR variant.
Genome position (GRCh38, 1-based): chr2:227,314,015, A>C. VCF-style: chr2-227314015-A-C. GRCh37 (hg19) VCF-style: chr2-228178731-A-C.
Identifiers: ClinVar variation 334818 (VCV000334818.5), dbSNP rs115394347, ClinGen allele CA10614457.